The following is an entry in ClinVar:

ClinVar aggregate classification (germline): Likely benign. Review status: criteria provided, single submitter (1 of 4 stars). 2 submissions from 2 submitters: Likely benign (1). 1 of the submissions does not count toward it. Last evaluated 2024-11-21.

Conditions:
CYLD-related disorder. Also called: CYLD-related condition.

Allele frequency attached by ClinVar (database versions not stated): TOPMed 0.00006.
gnomAD v4.1: 88 of 1,613,344 alleles (0.0055%); highest among the groups gnomAD compares: Admixed American, 0.018%; no homozygotes.

Submissions (2):

Blueprint Genetics
Classification: Likely benign. Last evaluated: 2024-11-21. Review status: criteria provided, single submitter. Criteria: ACMG Guidelines, 2015. Collection method: clinical testing. Allele origin: germline.

PreventionGenetics, part of Exact Sciences
Classification: Likely benign for CYLD-related condition. Last evaluated: 2019-05-24. Review status: no assertion criteria provided. Collection method: clinical testing. Allele origin: germline. Not counted in ClinVar's aggregate classification.
Comment: This variant is classified as likely benign based on ACMG/AMP sequence variant interpretation guidelines (Richards et al. 2015 PMID: 25741868, with internal and published modifications).

NM_001378743.1(CYLD):c.867G>A (p.Ala289=)

Gene: CYLD (CYLD lysine 63 deubiquitinase; plus strand). Cytogenetic location: 16q12.1.
Variant type: single nucleotide variant.
Coding change: c.867G>A on transcript NM_001378743.1 (MANE Select); coding-DNA position 867, G replaced by A.
Protein change: p.Ala289=; no amino-acid change (alanine 289 retained).
Molecular consequence: synonymous variant. On other transcripts: non-coding transcript variant (1).
Genome position (GRCh38, 1-based): chr16:50,754,378, G>A. VCF-style: chr16-50754378-G-A. GRCh37 (hg19) VCF-style: chr16-50788289-G-A.
Other names: c.867G>A, p.Ala289= (NM_001042355.2, NM_001042412.3, NM_001378744.1 and 10 more transcripts); c.201G>A, p.Ala67= (NM_001378754.1, NM_001378755.1).
Identifiers: ClinVar variation 3038693 (VCV003038693.3), dbSNP rs778051762, ClinGen allele CA8052258.
Genomic context (GRCh38, chr16:50,754,378, plus strand): 5'-GGATAACCCTATTGGCAACTGGGATGGAAGATTTGATGGAGTGCAGCTTTGTAGTTTTGC[G>A]TGTGTTGAAAGTACAATTCTATTGCACATCAATGATATCATCCCAGGTATGTTTTCTTTG-3'
Protein context (NP_001365672.1, residues 279-299): RFDGVQLCSF[Ala289=]CVESTILLHI